The following is an entry in ClinVar:

ClinVar aggregate classification (germline): Pathogenic (1 of 4 stars; one submission).

Conditions:
Familial thoracic aortic aneurysm and aortic dissection (TAAD). Also called: Thoracic aortic aneurysms and dissections. Identifiers: Orphanet 91387, MedGen C4707243, MONDO:0019625.
Marfan syndrome (MFS). Also called: FBN1-Related Marfan Syndrome; Marfan syndrome type 1; Marfan's syndrome; Marfan syndrome, classic; MARFAN SYNDROME, TYPE I. Identifiers: Orphanet 284963, Orphanet 558, MedGen C0024796, MONDO:0007947, OMIM 154700.

Submission:

Labcorp Genetics (formerly Invitae), Labcorp
Classification: Pathogenic for Marfan syndrome; Familial thoracic aortic aneurysm and aortic dissection. Last evaluated: 2018-06-08. Review status: criteria provided, single submitter. Criteria: Invitae Variant Classification Sherloc (09022015). Collection method: clinical testing. Allele origin: germline.
Comment: This variant has not been reported in the literature in individuals with FBN1-related disease. This variant is not present in population databases (ExAC no frequency). This sequence change creates a premature translational stop signal (p.Arg1897Metfs*32) in the FBN1 gene. It is expected to result in an absent or disrupted protein product. For these reasons, this variant has been classified as Pathogenic. Loss-of-function variants in FBN1 are known to be pathogenic (PMID: 17657824, 19293843).

Literature cited by the submitters: PubMed 17657824; PubMed 19293843.

NM_000138.5(FBN1):c.5688_5691del (p.Arg1897fs)

Gene: FBN1 (fibrillin 1; minus strand). Cytogenetic location: 15q21.1.
Variant type: Deletion.
Coding change: c.5688_5691del on transcript NM_000138.5 (MANE Select); coding-DNA positions 5688 to 5691, 4 bases deleted (AAGA; older notation c.5688_5691delAAGA).
Protein change: p.Arg1897fs; shifts the reading frame from arginine 1897.
Molecular consequence: frameshift variant.
Genome position (GRCh38, 1-based): chr15:48,446,803-48,446,806, TCTT deleted on the plus strand (AAGA on the coding strand, the reverse complement: FBN1 is on the minus strand); deleting any 4 consecutive bases within chr15:48,446,803-48,446,808 gives the same sequence; the c. name uses the placement nearest the transcript's 3' end. VCF-style (leftmost placement, unchanged base first): chr15-48446802-CTCTT-C. GRCh37 (hg19) VCF-style: chr15-48738999-CTCTT-C.
Other names: c.5688_5691delAAGA (NM_000138.4); short protein forms R1897fs.
Identifiers: ClinVar variation 581732 (VCV000581732.6), dbSNP rs1566898828, ClinGen allele CA891844489.